The following is an entry in ClinVar:

ClinVar aggregate classification (germline): Uncertain significance (1 of 4 stars; one submission).

Conditions:
Cranioectodermal dysplasia 2 (CED2). Identifiers: Orphanet 1515, MedGen C3150874, MONDO:0013323, OMIM 613610.
Short-rib thoracic dysplasia 7 with or without polydactyly (SRTD7). Also called: Short rib polydactyly syndrome 5; SHORT-RIB THORACIC DYSPLASIA 7 WITH POLYDACTYLY. Identifiers: Orphanet 498497, Orphanet 93271, MedGen C3279792, MONDO:0013569, OMIM 614091.

Allele frequency attached by ClinVar (database versions not stated): gnomAD exomes below 0.00001.
gnomAD v4.1: 1 of 1,613,336 alleles (0.000062%); highest among the groups gnomAD compares: African/African-American, 0.0013%; no homozygotes.

Submission:

Labcorp Genetics (formerly Invitae), Labcorp
Classification: Uncertain significance for Cranioectodermal dysplasia 2; Short-rib thoracic dysplasia 7 with or without polydactyly. Last evaluated: 2023-07-10. Review status: criteria provided, single submitter. Criteria: Invitae Variant Classification Sherloc (09022015). Collection method: clinical testing. Allele origin: germline.
Comment: In summary, the available evidence is currently insufficient to determine the role of this variant in disease. Therefore, it has been classified as a Variant of Uncertain Significance. Advanced modeling of protein sequence and biophysical properties (such as structural, functional, and spatial information, amino acid conservation, physicochemical variation, residue mobility, and thermodynamic stability) performed at Invitae indicates that this missense variant is not expected to disrupt WDR35 protein function. ClinVar contains an entry for this variant (Variation ID: 1524350). This variant has not been reported in the literature in individuals affected with WDR35-related conditions. This variant is not present in population databases (gnomAD no frequency). This sequence change replaces phenylalanine, which is neutral and non-polar, with serine, which is neutral and polar, at codon 944 of the WDR35 protein (p.Phe944Ser).

NM_020779.4(WDR35):c.2798T>C (p.Phe933Ser)

Gene: WDR35 (WD repeat domain 35; minus strand). Cytogenetic location: 2p24.1.
Variant type: single nucleotide variant.
Coding change: c.2798T>C on transcript NM_020779.4 (MANE Select); coding-DNA position 2798, T replaced by C.
Protein change: p.Phe933Ser; replaces phenylalanine 933 with serine.
Molecular consequence: missense variant.
Genome position (GRCh38, 1-based): chr2:19,932,308, A>G on the plus strand (T>C on the coding strand, the complement: WDR35 is on the minus strand). VCF-style: chr2-19932308-A-G. GRCh37 (hg19) VCF-style: chr2-20132069-A-G.
Other names: c.2831T>C, p.Phe944Ser (NM_001006657.2); short protein forms F933S, F944S.
Identifiers: ClinVar variation 1524350 (VCV001524350.6), dbSNP rs2103398314, ClinGen allele CA345942164.